The following is an entry in ClinVar:

ClinVar aggregate classification (germline): Uncertain significance (1 of 4 stars; one submission).

Submission:

GeneDx
Classification: Uncertain significance. Last evaluated: 2023-11-06. Review status: criteria provided, single submitter. Criteria: GeneDx Variant Classification Process June 2021. Collection method: clinical testing. Allele origin: germline. Affected: yes.
Comment: Not observed at significant frequency in large population cohorts (gnomAD); In silico analysis supports that this missense variant has a deleterious effect on protein structure/function; Has not been previously published as pathogenic or benign to our knowledge

NM_002576.5(PAK1):c.776G>T (p.Ser259Ile)

Gene: PAK1 (p21 (RAC1) activated kinase 1; minus strand). Cytogenetic location: 11q13.5.
Variant type: single nucleotide variant.
Coding change: c.776G>T on transcript NM_002576.5 (MANE Select); coding-DNA position 776, G replaced by T.
Protein change: p.Ser259Ile; replaces serine 259 with isoleucine.
Molecular consequence: missense variant. On other transcripts: non-coding transcript variant (2), intron variant (3).
Genome position (GRCh38, 1-based): chr11:77,353,596, C>A on the plus strand (G>T on the coding strand, the complement: PAK1 is on the minus strand). VCF-style: chr11-77353596-C-A. GRCh37 (hg19) VCF-style: chr11-77064641-C-A.
Other names: c.776G>T, p.Ser259Ile (NM_001128620.2, NM_001376268.1, NM_001376269.1 and 23 more transcripts); c.797G>T, p.Ser266Ile (NM_001376272.1); c.527G>T, p.Ser176Ile (NM_001376301.1); c.482G>T, p.Ser161Ile (NM_001376302.1, NM_001376304.1, NM_001376305.1); c.597+5302G>T (NM_001376303.1); c.772+2072G>T (NM_001376295.1); c.773-6G>T (NM_001376294.1); short protein forms S161I, S176I, S259I, S266I.
Identifiers: ClinVar variation 3363645 (VCV003363645.1).